The following is an entry in ClinVar:

NM_001277115.2(DNAH11):c.200C>A (p.Ala67Glu)

Gene: DNAH11 (dynein axonemal heavy chain 11; plus strand). Cytogenetic location: 7p15.3.
Variant type: single nucleotide variant.
Coding change: c.200C>A on transcript NM_001277115.2 (MANE Select); coding-DNA position 200, C replaced by A.
Protein change: p.Ala67Glu; replaces alanine 67 with glutamic acid.
Molecular consequence: missense variant.
Genome position (GRCh38, 1-based): chr7:21,543,445, C>A. VCF-style: chr7-21543445-C-A. GRCh37 (hg19) VCF-style: chr7-21583063-C-A.
Other names: c.200C>A (NM_001277115.1); short protein forms A67E.
Identifiers: ClinVar variation 3626332 (VCV003626332.3).

ClinVar aggregate classification (germline): Conflicting classifications of pathogenicity. Review status: criteria provided, conflicting classifications (1 of 4 stars). 2 submissions from 2 submitters: Uncertain significance (1); Likely benign (1). Last evaluated 2025-05-21.

Conditions:
Primary ciliary dyskinesia. Also called: Ciliary dyskinesia. Identifiers: Orphanet 244, MedGen C0008780, MONDO:0016575, HP:0012265.

gnomAD v4.1: 63 of 1,565,770 alleles (0.004%); highest among the groups gnomAD compares: Non-Finnish European, 0.0052%; no homozygotes.

Submissions (2):

Ambry Genetics
Classification: Likely benign for Primary ciliary dyskinesia. Last evaluated: 2025-05-21. Review status: criteria provided, single submitter. Criteria: Ambry Variant Classification Scheme 2023. Collection method: clinical testing. Allele origin: germline.

Labcorp Genetics (formerly Invitae), Labcorp
Classification: Uncertain significance for Primary ciliary dyskinesia. Last evaluated: 2024-11-06. Review status: criteria provided, single submitter. Criteria: Invitae Variant Classification Sherloc (09022015). Collection method: clinical testing. Allele origin: germline.
Comment: This sequence change replaces alanine, which is neutral and non-polar, with glutamic acid, which is acidic and polar, at codon 67 of the DNAH11 protein (p.Ala67Glu). This variant is not present in population databases (gnomAD no frequency). This variant has not been reported in the literature in individuals affected with DNAH11-related conditions. Invitae Evidence Modeling of protein sequence and biophysical properties (such as structural, functional, and spatial information, amino acid conservation, physicochemical variation, residue mobility, and thermodynamic stability) indicates that this missense variant is not expected to disrupt DNAH11 protein function with a negative predictive value of 95%. In summary, the available evidence is currently insufficient to determine the role of this variant in disease. Therefore, it has been classified as a Variant of Uncertain Significance.